The following is an entry in ClinVar:

ClinVar aggregate classification (germline): Uncertain significance (1 of 4 stars; one submission).

Conditions:
Hypertrophic cardiomyopathy. Also called: HYPERTROPHIC MYOCARDIOPATHY. Identifiers: Orphanet 217569, MedGen C0007194, MeSH D002312, MONDO:0005045, HP:0001639.

Submission:

Labcorp Genetics (formerly Invitae), Labcorp
Classification: Uncertain significance for Hypertrophic cardiomyopathy. Last evaluated: 2022-01-28. Review status: criteria provided, single submitter. Criteria: Invitae Variant Classification Sherloc (09022015). Collection method: clinical testing. Allele origin: germline.
Comment: This sequence change replaces alanine, which is neutral and non-polar, with serine, which is neutral and polar, at codon 459 of the JPH2 protein (p.Ala459Ser). This variant is not present in population databases (gnomAD no frequency). This variant has not been reported in the literature in individuals affected with JPH2-related conditions. Algorithms developed to predict the effect of missense changes on protein structure and function (SIFT, PolyPhen-2, Align-GVGD) all suggest that this variant is likely to be tolerated. In summary, the available evidence is currently insufficient to determine the role of this variant in disease. Therefore, it has been classified as a Variant of Uncertain Significance.

NM_020433.5(JPH2):c.1375G>T (p.Ala459Ser)

Gene: JPH2 (junctophilin 2; minus strand). Cytogenetic location: 20q13.12.
Variant type: single nucleotide variant.
Coding change: c.1375G>T on transcript NM_020433.5 (MANE Select); coding-DNA position 1375, G replaced by T.
Protein change: p.Ala459Ser; replaces alanine 459 with serine.
Molecular consequence: missense variant.
Genome position (GRCh38, 1-based): chr20:44,116,300, C>A on the plus strand (G>T on the coding strand, the complement: JPH2 is on the minus strand). VCF-style: chr20-44116300-C-A. GRCh37 (hg19) VCF-style: chr20-42744940-C-A.
Other names: short protein forms A459S.
Identifiers: ClinVar variation 1988390 (VCV001988390.4), dbSNP rs567872241, ClinGen allele CA409100757.